The following is an entry in ClinVar:

NM_000133.4(F9):c.858G>T (p.Glu286Asp)

Gene: F9 (coagulation factor IX; plus strand). Cytogenetic location: Xq27.1.
Variant type: single nucleotide variant.
Coding change: c.858G>T on transcript NM_000133.4 (MANE Select); coding-DNA position 858, G replaced by T.
Protein change: p.Glu286Asp; replaces glutamic acid 286 with aspartic acid.
Molecular consequence: missense variant.
Genome position (GRCh38, 1-based): chrX:139,561,543, G>T. VCF-style: chrX-139561543-G-T. GRCh37 (hg19) VCF-style: chrX-138643702-G-T.
Other names: c.744G>T, p.Glu248Asp (NM_001313913.2); short protein forms E248D, E286D.
Identifiers: ClinVar variation 2636137 (VCV002636137.1), dbSNP rs2520842846, ClinGen allele CA414444530.

ClinVar aggregate classification (germline): Uncertain significance (1 of 4 stars; one submission).

Conditions:
F9-related disorder. Also called: F9-related condition.

Submission:

PreventionGenetics, part of Exact Sciences
Classification: Uncertain significance for F9-related condition. Last evaluated: 2022-12-07. Review status: criteria provided, single submitter. Criteria: ACMG Guidelines, 2015. Collection method: clinical testing. Allele origin: germline.
Comment: The F9 c.858G>T variant is predicted to result in the amino acid substitution p.Glu286Asp. To our knowledge, this variant has not been reported in the literature or in a large population database, indicating this variant is rare. At this time, the clinical significance of this variant is uncertain due to the absence of conclusive functional and genetic evidence.